The following is an entry in ClinVar:

ClinVar aggregate classification (germline): Pathogenic/Likely pathogenic. Review status: criteria provided, multiple submitters, no conflicts (2 of 4 stars). 3 submissions from 3 submitters: Pathogenic (2); Likely pathogenic (1). Last evaluated 2025-02-22.

Conditions:
Meckel-Gruber syndrome. Also called: Dysencephalia splachnocystica; DYSENCEPHALIA SPLANCHNOCYSTICA; GRUBER SYNDROME. Identifiers: Orphanet 564, MedGen C0265215, MONDO:0018921.
Nephronophthisis. Also called: Juvenile Nephronophthisis. Identifiers: Orphanet 655, MedGen C0687120, MONDO:0019005, HP:0000090.
Joubert syndrome. Also called: Familial aplasia of the vermis; JOUBERT-BOLTSHAUSER SYNDROME. Identifiers: Orphanet 475, MedGen C5979921, MONDO:0018772.
Bardet-Biedl syndrome 14 (BBS14). Identifiers: Orphanet 110, MedGen C2673874, MONDO:0014442, OMIM 615991.
CEP290-related ciliopathy. Also called: CEP290 ciliopathy. Identifiers: MedGen CN305601, MONDO:0100451.

Submissions (3):

Myriad Genetics, Inc.
Classification: Pathogenic for CEP290-related ciliopathy. Last evaluated: 2025-02-22. Review status: criteria provided, single submitter. Criteria: Myriad Autosomal Dominant, Autosomal Recessive and X-Linked Classification Criteria (2023). Collection method: clinical testing. Allele origin: unknown.
Comment: NM_025114.3(CEP290):c.3493C>T(Q1165*) is expected to be pathogenic in the context of CEP290-related disorders. This variant is predicted to lead to an abnormal or absent protein product due to the creation of a premature termination codon in CEP290, a gene where loss-of-function variants are known to be pathogenic. Please note: this variant was assessed in the context of healthy population screening.

Baylor Genetics
Classification: Likely pathogenic for Bardet-Biedl syndrome 14. Last evaluated: 2023-01-02. Review status: criteria provided, single submitter. Criteria: ACMG Guidelines, 2015. Collection method: clinical testing. Allele origin: unknown.

Labcorp Genetics (formerly Invitae), Labcorp
Classification: Pathogenic for Joubert syndrome; Meckel-Gruber syndrome; Nephronophthisis. Last evaluated: 2021-11-18. Review status: criteria provided, single submitter. Criteria: Invitae Variant Classification Sherloc (09022015). Collection method: clinical testing. Allele origin: germline.
Comment: For these reasons, this variant has been classified as Pathogenic. This variant has not been reported in the literature in individuals affected with CEP290-related conditions. This variant is not present in population databases (gnomAD no frequency). This sequence change creates a premature translational stop signal (p.Gln1165*) in the CEP290 gene. It is expected to result in an absent or disrupted protein product. Loss-of-function variants in CEP290 are known to be pathogenic (PMID: 16909394, 17345604, 20690115).

Literature cited by the submitters: PubMed 16909394 (cited by Labcorp Genetics (formerly Invitae), Labcorp); PubMed 17345604 (cited by Labcorp Genetics (formerly Invitae), Labcorp); PubMed 20690115 (cited by Labcorp Genetics (formerly Invitae), Labcorp).

NM_025114.4(CEP290):c.3493C>T (p.Gln1165Ter)

Gene: CEP290 (centrosomal protein 290; minus strand). Cytogenetic location: 12q21.32.
Variant type: single nucleotide variant.
Coding change: c.3493C>T on transcript NM_025114.4 (MANE Select); coding-DNA position 3493, C replaced by T.
Protein change: p.Gln1165Ter; replaces glutamine 1165 with a stop codon.
Molecular consequence: nonsense.
Genome position (GRCh38, 1-based): chr12:88,090,808, G>A on the plus strand (C>T on the coding strand, the complement: CEP290 is on the minus strand). VCF-style: chr12-88090808-G-A. GRCh37 (hg19) VCF-style: chr12-88484585-G-A.
Other names: short protein forms Q1165*.
Identifiers: ClinVar variation 1451514 (VCV001451514.8), dbSNP rs2036977924, ClinGen allele CA386002148.